The following is an entry in ClinVar:

NM_031892.3(SH3KBP1):c.163-3C>T

Gene: SH3KBP1 (SH3 domain containing kinase binding protein 1; minus strand). Cytogenetic location: Xp22.12.
Variant type: single nucleotide variant.
Coding change: c.163-3C>T on transcript NM_031892.3 (MANE Select); 3 bases into the intron before coding-DNA position 163, C replaced by T.
Molecular consequence: intron variant.
Genome position (GRCh38, 1-based): chrX:19,746,444, G>A on the plus strand (C>T on the coding strand, the complement: SH3KBP1 is on the minus strand). VCF-style: chrX-19746444-G-A. GRCh37 (hg19) VCF-style: chrX-19764562-G-A.
Other names: c.163-3C>T (NM_001353890.2, NM_001353892.2, NM_001353891.2); c.-15-3C>T (NM_001353894.2, NM_001353893.2, NM_001353895.2); c.52-3C>T (NM_001024666.3).
Identifiers: ClinVar variation 1933785 (VCV001933785.5), dbSNP rs760892389, ClinGen allele CA10364947.

ClinVar aggregate classification (germline): Uncertain significance (1 of 4 stars; one submission).

Allele frequency attached by ClinVar (database versions not stated): gnomAD 0.00001; gnomAD exomes 0.00002; ExAC 0.00003; 1000 Genomes Project 30x 0.00021; 1000 Genomes Project 0.00026.
gnomAD v4.1: 19 of 1,197,006 alleles (0.0016%); highest among the groups gnomAD compares: South Asian, 0.035%; no homozygotes.

Submission:

Labcorp Genetics (formerly Invitae), Labcorp
Classification: Uncertain significance. Last evaluated: 2024-11-19. Review status: criteria provided, single submitter. Criteria: Invitae Variant Classification Sherloc (09022015). Collection method: clinical testing. Allele origin: germline.
Comment: This sequence change falls in intron 2 of the SH3KBP1 gene. It does not directly change the encoded amino acid sequence of the SH3KBP1 protein. It affects a nucleotide within the consensus splice site. This variant is present in population databases (rs760892389, gnomAD 0.04%), and has an allele count higher than expected for a pathogenic variant. This variant has not been reported in the literature in individuals affected with SH3KBP1-related conditions. ClinVar contains an entry for this variant (Variation ID: 1933785). Variants that disrupt the consensus splice site are a relatively common cause of aberrant splicing (PMID: 17576681, 9536098). Algorithms developed to predict the effect of sequence changes on RNA splicing suggest that this variant is not likely to affect RNA splicing. In summary, the available evidence is currently insufficient to determine the role of this variant in disease. Therefore, it has been classified as a Variant of Uncertain Significance.

Literature cited by the submitters: PubMed 17576681; PubMed 9536098.